The following is an entry in ClinVar:

ClinVar aggregate classification (germline): Uncertain significance (1 of 4 stars; one submission).

Conditions:
Mucopolysaccharidosis, MPS-III-D (MPS3D). Also called: N-ACETYLGLUCOSAMINE-6-SULFATASE DEFICIENCY; SANFILIPPO SYNDROME D; MPS III D; Mucopoly-saccharidosis type 3D; N-acetylglucosamine-6-sulfate sulfatase deficiency; MPS 3D. Identifiers: Orphanet 581, Orphanet 79272, MedGen C0086650, MONDO:0009658, OMIM 252940.

gnomAD v4.1: 130 of 1,612,930 alleles (0.0081%); highest among the groups gnomAD compares: Non-Finnish European, 0.011%; no homozygotes.

Submission:

Labcorp Genetics (formerly Invitae), Labcorp
Classification: Uncertain significance for Mucopolysaccharidosis, MPS-III-D. Last evaluated: 2024-08-17. Review status: criteria provided, single submitter. Criteria: Invitae Variant Classification Sherloc (09022015). Collection method: clinical testing. Allele origin: germline.
Comment: This sequence change replaces isoleucine, which is neutral and non-polar, with valine, which is neutral and non-polar, at codon 135 of the GNS protein (p.Ile135Val). This variant is present in population databases (rs746153437, gnomAD 0.007%). This variant has not been reported in the literature in individuals affected with GNS-related conditions. Invitae Evidence Modeling of protein sequence and biophysical properties (such as structural, functional, and spatial information, amino acid conservation, physicochemical variation, residue mobility, and thermodynamic stability) indicates that this missense variant is not expected to disrupt GNS protein function with a negative predictive value of 80%. In summary, the available evidence is currently insufficient to determine the role of this variant in disease. Therefore, it has been classified as a Variant of Uncertain Significance.

NM_002076.4(GNS):c.403A>G (p.Ile135Val)

Gene: GNS (glucosamine (N-acetyl)-6-sulfatase; minus strand). Cytogenetic location: 12q14.3.
Variant type: single nucleotide variant.
Coding change: c.403A>G on transcript NM_002076.4 (MANE Select); coding-DNA position 403, A replaced by G.
Protein change: p.Ile135Val; replaces isoleucine 135 with valine.
Molecular consequence: missense variant.
Genome position (GRCh38, 1-based): chr12:64,747,768, T>C on the plus strand (A>G on the coding strand, the complement: GNS is on the minus strand). VCF-style: chr12-64747768-T-C. GRCh37 (hg19) VCF-style: chr12-65141548-T-C.
Other names: short protein forms I135V.
Identifiers: ClinVar variation 3722424 (VCV003722424.1).